The following is an entry in ClinVar:

NM_000548.5(TSC2):c.1160dup (p.Leu388fs)

Gene: TSC2 (TSC complex subunit 2; plus strand). Cytogenetic location: 16p13.3.
Variant type: Duplication.
Coding change: c.1160dup on transcript NM_000548.5 (MANE Select); coding-DNA position 1160, one base duplicated (T; older notation c.1160dupT).
Protein change: p.Leu388fs; shifts the reading frame from leucine 388.
Molecular consequence: frameshift variant.
Genome position (GRCh38, 1-based): chr16:2,061,911, T duplicated. VCF-style (leftmost placement, unchanged base first): chr16-2061910-C-CT. GRCh37 (hg19) VCF-style: chr16-2111911-C-CT.
Other names: c.1160dup, p.Leu388fs (NM_001077183.3, NM_001114382.3, NM_001363528.2 and 3 more transcripts); c.1049dup, p.Leu351fs (NM_001318827.2); c.1013dup, p.Leu339fs (NM_001318829.2); c.560dup, p.Leu188fs (NM_001318831.2); c.1193dup, p.Leu399fs (NM_001318832.2); short protein forms L339fs, L188fs, L388fs, L399fs, L351fs.
Identifiers: ClinVar variation 237960 (VCV000237960.6), dbSNP rs878854075, ClinGen allele CA10583291.

ClinVar aggregate classification (germline): Pathogenic (1 of 4 stars; one submission).

Conditions:
Tuberous sclerosis 2 (TSC2). Identifiers: Orphanet 805, MedGen C1860707, MONDO:0013199, OMIM 613254.

Submission:

Labcorp Genetics (formerly Invitae), Labcorp
Classification: Pathogenic for Tuberous sclerosis 2. Last evaluated: 2016-01-01. Review status: criteria provided, single submitter. Criteria: Invitae Variant Classification Sherloc (09022015). Collection method: clinical testing. Allele origin: germline.
Comment: For these reasons, this variant has been classified as Pathogenic. This sequence change inserts 1 nucleotide in exon 12 of the TSC2 mRNA (c.1160dupT), causing a frameshift at codon 388. This creates a premature translational stop signal (p.Leu388Valfs*9) and is expected to result in an absent or disrupted protein product. While this particular variant has not been reported in the literature, truncating variants in TSC2 are known to be pathogenic (PMID: 10205261, 17304050).

Literature cited by the submitters: PubMed 10205261; PubMed 17304050.